The following is an entry in ClinVar:

NM_152617.4(RNF168):c.640_644del (p.Lys213_Lys214insTer)

Gene: RNF168 (ring finger protein 168; minus strand). Cytogenetic location: 3q29.
Variant type: Microsatellite.
Coding change: c.640_644del on transcript NM_152617.4 (MANE Select); coding-DNA positions 640 to 644, 5 bases deleted (AAAAG; older notation c.640_644delAAAAG).
Protein change: p.Lys213_Lys214insTer.
Molecular consequence: nonsense.
Genome position (GRCh38, 1-based): chr3:196,483,806-196,483,810, CTTTT deleted on the plus strand (AAAAG on the coding strand, the reverse complement: RNF168 is on the minus strand); deleting any 5 consecutive bases within chr3:196,483,806-196,483,816 gives the same sequence; the c. name uses the placement nearest the transcript's 3' end. VCF-style (leftmost placement, unchanged base first): chr3-196483805-ACTTTT-A. GRCh37 (hg19) VCF-style: chr3-196210676-ACTTTT-A.
Identifiers: ClinVar variation 1377590 (VCV001377590.7), dbSNP rs777601326, ClinGen allele CA2780865.

ClinVar aggregate classification (germline): Pathogenic/Likely pathogenic. Review status: criteria provided, multiple submitters, no conflicts (2 of 4 stars). 2 submissions from 2 submitters: Pathogenic (1); Likely pathogenic (1). Last evaluated 2025-06-22.

Conditions:
RNF168-related disorder. Also called: RNF168-related condition.

Submissions (2):

Labcorp Genetics (formerly Invitae), Labcorp
Classification: Pathogenic. Last evaluated: 2025-06-22. Review status: criteria provided, single submitter. Criteria: Invitae Variant Classification Sherloc (09022015). Collection method: clinical testing. Allele origin: germline.
Comment: This sequence change creates a premature translational stop signal (p.Lys214*) in the RNF168 gene. It is expected to result in an absent or disrupted protein product. Loss-of-function variants in RNF168 are known to be pathogenic (PMID: 19203578, 21394101). This variant is present in population databases (rs777601326, gnomAD 0.6%), and has an allele count higher than expected for a pathogenic variant. This variant has not been reported in the literature in individuals affected with RNF168-related conditions. For these reasons, this variant has been classified as Pathogenic.

Blueprint Genetics
Classification: Likely pathogenic for RNF168-related disorders. Last evaluated: 2024-09-04. Review status: criteria provided, single submitter. Criteria: ACMG Guidelines, 2015. Collection method: clinical testing. Allele origin: germline. Affected: yes. Observed: 5 variant alleles.

Literature cited by the submitters: PubMed 19203578 (cited by Labcorp Genetics (formerly Invitae), Labcorp); PubMed 21394101 (cited by Labcorp Genetics (formerly Invitae), Labcorp).